The following is an entry in ClinVar:

ClinVar aggregate classification (germline): Uncertain significance. Review status: criteria provided, multiple submitters, no conflicts (2 of 4 stars). 2 submissions from 2 submitters: Uncertain significance (2). Last evaluated 2025-12-17.

Conditions:
Hereditary cancer-predisposing syndrome. Also called: Neoplastic Syndromes, Hereditary; Tumor predisposition; Hereditary neoplastic syndrome; Hereditary Cancer Syndrome. Identifiers: Orphanet 140162, MedGen C0027672, MeSH D009386, MONDO:0015356.

Allele frequency attached by ClinVar (database versions not stated): gnomAD 0.00001; TOPMed 0.00003.
gnomAD v4.1: 5 of 1,610,924 alleles (0.00031%); highest among the groups gnomAD compares: African/African-American, 0.0067%; no homozygotes.

Submissions (2):

Labcorp Genetics (formerly Invitae), Labcorp
Classification: Uncertain significance. Last evaluated: 2025-12-17. Review status: criteria provided, single submitter. Criteria: Invitae Variant Classification Sherloc (09022015). Collection method: clinical testing. Allele origin: germline.
Comment: This sequence change replaces arginine, which is basic and polar, with glycine, which is neutral and non-polar, at codon 215 of the HOXB13 protein (p.Arg215Gly). This variant is not present in population databases (gnomAD no frequency). This variant has not been reported in the literature in individuals affected with HOXB13-related conditions. ClinVar contains an entry for this variant (Variation ID: 826402). Invitae Evidence Modeling of protein sequence and biophysical properties (such as structural, functional, and spatial information, amino acid conservation, physicochemical variation, residue mobility, and thermodynamic stability) has been performed for this missense variant. However, the output from this modeling did not meet the statistical confidence thresholds required to predict the impact of this variant on HOXB13 protein function. In summary, the available evidence is currently insufficient to determine the role of this variant in disease. Therefore, it has been classified as a Variant of Uncertain Significance.

Ambry Genetics
Classification: Uncertain significance for Hereditary cancer-predisposing syndrome. Last evaluated: 2025-10-10. Review status: criteria provided, single submitter. Criteria: Ambry Variant Classification Scheme 2023. Collection method: clinical testing. Allele origin: germline.
Comment: The p.R215G variant (also known as c.643C>G), located in coding exon 2 of the HOXB13 gene, results from a C to G substitution at nucleotide position 643. The arginine at codon 215 is replaced by glycine, an amino acid with dissimilar properties. This amino acid position is highly conserved in available vertebrate species. In addition, this alteration is predicted to be deleterious by in silico analysis. Since supporting evidence is limited at this time, the clinical significance of this alteration remains unclear.

NM_006361.6(HOXB13):c.643C>G (p.Arg215Gly)

Gene: HOXB13 (homeobox B13; minus strand). Cytogenetic location: 17q21.32.
Variant type: single nucleotide variant.
Coding change: c.643C>G on transcript NM_006361.6 (MANE Select); coding-DNA position 643, C replaced by G.
Protein change: p.Arg215Gly; replaces arginine 215 with glycine.
Molecular consequence: missense variant.
Genome position (GRCh38, 1-based): chr17:48,727,002, G>C on the plus strand (C>G on the coding strand, the complement: HOXB13 is on the minus strand). VCF-style: chr17-48727002-G-C. GRCh37 (hg19) VCF-style: chr17-46804364-G-C.
Other names: short protein forms R215G.
Identifiers: ClinVar variation 826402 (VCV000826402.13), dbSNP rs761914407, ClinGen allele CA291349214.